The following is an entry in ClinVar:

NM_001035.3(RYR2):c.2601G>A (p.Val867=)

Gene: RYR2 (ryanodine receptor 2; plus strand). Cytogenetic location: 1q43.
Variant type: single nucleotide variant.
Coding change: c.2601G>A on transcript NM_001035.3 (MANE Select); coding-DNA position 2601, G replaced by A.
Protein change: p.Val867=; no amino-acid change (valine 867 retained).
Molecular consequence: synonymous variant.
Genome position (GRCh38, 1-based): chr1:237,503,493, G>A. VCF-style: chr1-237503493-G-A. GRCh37 (hg19) VCF-style: chr1-237666793-G-A.
Identifiers: ClinVar variation 925880 (VCV000925880.8), dbSNP rs1664878565, ClinGen allele CA423816507.
Genomic context (GRCh38, chr1:237,503,493, plus strand): 5'-ACGCGACCTGCTGGGCCCCACAGTTTCCCTGACGCAAGCTGCCTTCACACCCATCCCTGT[G>A]GATACCAGCCAGGTACCAAGATCCACTCGAATGGCAATCACTGGTATTGCAGTCATGCTG-3'
Protein context (NP_001026.2, residues 857-877): LTQAAFTPIP[Val867=]DTSQIVLPPH

ClinVar aggregate classification (germline): Conflicting classifications of pathogenicity. Review status: criteria provided, conflicting classifications (1 of 4 stars). 2 submissions from 2 submitters: Uncertain significance (1); Likely benign (1). Last evaluated 2023-12-05.

Conditions:
Cardiomyopathy (CMYO). Also called: Cardiomyopathies. Identifiers: Orphanet 167848, MedGen C0878544, MONDO:0004994, HP:0001638. Inheritance: Various modes of inheritance.
Catecholaminergic polymorphic ventricular tachycardia 1. Also called: VENTRICULAR TACHYCARDIA, CATECHOLAMINERGIC POLYMORPHIC, 1, WITH OR WITHOUT ATRIAL DYSFUNCTION AND/OR DILATED CARDIOMYOPATHY; VENTRICULAR TACHYCARDIA, STRESS-INDUCED POLYMORPHIC 1; RYR2-Related Catecholaminergic Polymorphic Ventricular Tachycardia. Identifiers: Orphanet 3286, MedGen C1631597, MONDO:0011484, OMIM 604772.

Submissions (2):

Color Diagnostics, LLC DBA Color Health
Classification: Likely benign for Cardiomyopathy. Last evaluated: 2023-12-05. Review status: criteria provided, single submitter. Criteria: ACMG Guidelines, 2015. Collection method: clinical testing. Allele origin: germline.

Labcorp Genetics (formerly Invitae), Labcorp
Classification: Uncertain significance for Catecholaminergic polymorphic ventricular tachycardia 1. Last evaluated: 2022-11-20. Review status: criteria provided, single submitter. Criteria: Invitae Variant Classification Sherloc (09022015). Collection method: clinical testing. Allele origin: germline.
Comment: In summary, the available evidence is currently insufficient to determine the role of this variant in disease. Therefore, it has been classified as a Variant of Uncertain Significance. Algorithms developed to predict the effect of sequence changes on RNA splicing suggest that this variant may disrupt the consensus splice site. ClinVar contains an entry for this variant (Variation ID: 925880). This variant has not been reported in the literature in individuals affected with RYR2-related conditions. This variant is not present in population databases (gnomAD no frequency). This sequence change affects codon 867 of the RYR2 mRNA. It is a 'silent' change, meaning that it does not change the encoded amino acid sequence of the RYR2 protein.